The following is an entry in ClinVar:

NM_004553.6(NDUFS6):c.109G>T (p.Glu37Ter)

Gene: NDUFS6 (NADH:ubiquinone oxidoreductase subunit S6; plus strand). Cytogenetic location: 5p15.33.
Variant type: single nucleotide variant.
Coding change: c.109G>T on transcript NM_004553.6 (MANE Select); coding-DNA position 109, G replaced by T.
Protein change: p.Glu37Ter; replaces glutamic acid 37 with a stop codon.
Molecular consequence: nonsense.
Genome position (GRCh38, 1-based): chr5:1,801,526, G>T. VCF-style: chr5-1801526-G-T. GRCh37 (hg19) VCF-style: chr5-1801640-G-T.
Other names: c.109G>T (NM_004553.4); short protein forms E37*.
Identifiers: ClinVar variation 2212407 (VCV002212407.11), dbSNP rs759473851, ClinGen allele CA359088795.

ClinVar aggregate classification (germline): Pathogenic/Likely pathogenic. Review status: criteria provided, multiple submitters, no conflicts (2 of 4 stars). 2 submissions from 2 submitters: Pathogenic (1); Likely pathogenic (1). Last evaluated 2023-07-19.

Conditions:
Inborn genetic diseases. Identifiers: MedGen C0950123, MeSH D030342.

Allele frequency attached by ClinVar (database versions not stated): TOPMed 0.00001.
gnomAD v4.1: 3 of 1,594,430 alleles (0.00019%); highest among the groups gnomAD compares: Middle Eastern, 0.017%; no homozygotes.

Submissions (2):

Labcorp Genetics (formerly Invitae), Labcorp
Classification: Pathogenic. Last evaluated: 2023-07-19. Review status: criteria provided, single submitter. Criteria: Invitae Variant Classification Sherloc (09022015). Collection method: clinical testing. Allele origin: germline.
Comment: This variant has not been reported in the literature in individuals affected with NDUFS6-related conditions. ClinVar contains an entry for this variant (Variation ID: 2212407). For these reasons, this variant has been classified as Pathogenic. This sequence change creates a premature translational stop signal (p.Glu37*) in the NDUFS6 gene. It is expected to result in an absent or disrupted protein product. Loss-of-function variants in NDUFS6 are known to be pathogenic (PMID: 15372108). This variant is not present in population databases (gnomAD no frequency).

Ambry Genetics
Classification: Likely pathogenic for Inborn genetic diseases. Last evaluated: 2022-09-15. Review status: criteria provided, single submitter. Criteria: Ambry Variant Classification Scheme 2023. Collection method: clinical testing. Allele origin: germline.
Comment: The c.109G>T (p.E37*) alteration, located in exon 1 (coding exon 1) of the NDUFS6 gene, consists of a G to T substitution at nucleotide position 109. This changes the amino acid from a glutamic acid (E) to a stop codon at amino acid position 37. The predicted stop codon occurs in the 5' end of the NDUFS6 gene. Premature termination codons in the 5&rsquo; end of a gene have been reported to escape nonsense-mediated mRNA decay and/or lead to re-initiation (Rivas, 2015; Lindeboom, 2016; Rhee, 2017). Direct evidence for this alteration is unavailable; however, premature termination codons are typically deleterious in nature. This variant was not reported in population-based cohorts in the Genome Aggregation Database (gnomAD). Based on the available evidence, this alteration is classified as likely pathogenic.

Literature cited by the submitters: PubMed 15372108 (cited by Labcorp Genetics (formerly Invitae), Labcorp); PubMed 25954003 (cited by Ambry Genetics); PubMed 27618451 (cited by Ambry Genetics); PubMed 28490743 (cited by Ambry Genetics).